The following is an entry in ClinVar:

NM_001114753.3(ENG):c.247C>T (p.Gln83Ter)

Gene: ENG (endoglin; minus strand). Cytogenetic location: 9q34.11.
Variant type: single nucleotide variant.
Coding change: c.247C>T on transcript NM_001114753.3 (MANE Select); coding-DNA position 247, C replaced by T.
Protein change: p.Gln83Ter; replaces glutamine 83 with a stop codon.
Molecular consequence: nonsense. On other transcripts: 5 prime UTR variant (1).
Genome position (GRCh38, 1-based): chr9:127,829,800, G>A on the plus strand (C>T on the coding strand, the complement: ENG is on the minus strand). VCF-style: chr9-127829800-G-A. GRCh37 (hg19) VCF-style: chr9-130592079-G-A.
Other names: p.Q83*:CAG>TAG; c.247C>T, p.Gln83Ter (NM_000118.4, NM_001406715.1); c.-300C>T (NM_001278138.2); short protein forms Q83*.
Identifiers: ClinVar variation 213205 (VCV000213205.22), dbSNP rs863223532, ClinGen allele CA322606.
Genomic context (GRCh38, chr9:127,829,800, plus strand): 5'-TGTTTACACTGAGGACCAGAAGCACCTCTCGGGGCCAGGTGCCATTTTGCTTGGATGCCT[G>A]GAGAGTCAGCTCCAGCTGTGACGGGCCCTGGGGGACACAGAGGAGAGACACACACAGTCC-3'

ClinVar aggregate classification (germline): Pathogenic. Review status: criteria provided, multiple submitters, no conflicts (2 of 4 stars). 6 submissions from 6 submitters: Pathogenic (4). 2 of the submissions do not count toward it. Last evaluated 2025-05-14.

Conditions:
Hereditary hemorrhagic telangiectasia (HHT). Also called: Osler hemorrhagic telangiectasia syndrome; ORW DISEASE; Osler Weber Rendu syndrome; OSLER-RENDU-WEBER DISEASE. Identifiers: Orphanet 774, MedGen C0039445, MONDO:0019180. Disease mechanism: loss of function.
Cardiovascular phenotype. Identifiers: MedGen CN230736.

Submissions (6):

Labcorp Genetics (formerly Invitae), Labcorp
Classification: Pathogenic for Hereditary hemorrhagic telangiectasia. Last evaluated: 2025-05-14. Review status: criteria provided, single submitter. Criteria: Invitae Variant Classification Sherloc (09022015). Collection method: clinical testing. Allele origin: germline.
Comment: This sequence change creates a premature translational stop signal (p.Gln83*) in the ENG gene. It is expected to result in an absent or disrupted protein product. Loss-of-function variants in ENG are known to be pathogenic (PMID: 15879500). This variant is not present in population databases (gnomAD no frequency). This premature translational stop signal has been observed in individual(s) with hereditary hemorrhagic telangiectasia (PMID: 15517393). ClinVar contains an entry for this variant (Variation ID: 213205). For these reasons, this variant has been classified as Pathogenic.

ARUP Laboratories, Molecular Genetics and Genomics, ARUP Laboratories
Classification: Pathogenic. Last evaluated: 2018-03-21. Review status: criteria provided, single submitter. Criteria: ARUP Molecular Germline Variant Investigation Process. Collection method: clinical testing. Allele origin: germline.
Comment: The p.Gln83Ter variant (rs863223532) was reported in three probands with HHT, where one of the families was shown segregation of the variant with disease (Letteboer 2005). It is absent from general population databases such as 1000 Genomes, NHLBI GO Exome Sequencing Project (ESP), the Genome Aggregation Database (gnomAD), and has been reported to the ClinVar database with a pathogenic classification (Variation ID: 213205). The c.247C>T variant creates a premature termination codon in exon 3 (of 14 exons) in the ENG gene, which results in a truncated protein product or mRNA subject to non-sense mediated decay. Based on the above information, this variant is considered to be pathogenic.

Ambry Genetics
Classification: Pathogenic for Cardiovascular phenotype. Last evaluated: 2017-04-17. Review status: criteria provided, single submitter. Criteria: Ambry Variant Classification Scheme 2023. Collection method: clinical testing. Allele origin: germline.
Comment: The p.Q83* pathogenic mutation (also known as c.247C>T), located in coding exon 3 of the ENG gene, results from a C to T substitution at nucleotide position 247. This changes the amino acid from a glutamine to a stop codon within coding exon 3. This mutation was identified in 3 hereditary hemorrhagic telangiectasia families (Letteboer TG et al. Hum. Genet., 2005 Jan;116:8-16). In addition to the clinical data presented in the literature, this alteration is expected to result in loss of function by premature protein truncation or nonsense-mediated mRNA decay. As such, this alteration is interpreted as a disease-causing mutation.

GeneDx
Classification: Pathogenic. Last evaluated: 2014-08-26. Review status: criteria provided, single submitter. Criteria: GeneDx Variant Classification (06012015). Collection method: clinical testing. Allele origin: germline. Affected: yes.
Comment: p.Gln83Ter (CAG>TAG): c.247 C>T in exon 3 of the ENG gene (NM_000118.2)The Q83X mutation in the ENG gene has been reported in three Dutch probands meeting the clinical criteria for HHT (Letteboer et al., 2005). The Q83X mutation was found to segregate with the HHT phenotype in at least one of the three families. Additionally, Q83X is predicted to cause loss of normal protein function either by protein truncation or nonsense-mediated mRNA decay. Other nonsense mutations in the ENG gene have been reported in association with HHT. Furthermore, the Q83X mutation was not observed in approximately 6,500 individuals of European and African American ancestry in the NHLBI Exome Sequencing Project, indicating it is not a common benign variant in these populations.In summary, Q83X in the ENG gene is interpreted as a disease-causing mutation. This variant was found in HHT-ARRHYTHMIA

Genome Diagnostics Laboratory, University Medical Center Utrecht
Classification: Pathogenic. Review status: no assertion criteria provided. Collection method: clinical testing. Allele origin: germline. Affected: yes. Study: VKGL Data-share Consensus. Not counted in ClinVar's aggregate classification.

Joint Genome Diagnostic Labs from Nijmegen and Maastricht, Radboudumc and MUMC+
Classification: Pathogenic. Review status: no assertion criteria provided. Collection method: clinical testing. Allele origin: germline. Affected: yes. Study: VKGL Data-share Consensus. Not counted in ClinVar's aggregate classification.

Literature cited by the submitters: PubMed 15879500 (cited by Labcorp Genetics (formerly Invitae), Labcorp); PubMed 15517393 (cited by Labcorp Genetics (formerly Invitae), Labcorp and Ambry Genetics).